The following is an entry in ClinVar:

ClinVar aggregate classification (germline): Uncertain significance. Review status: criteria provided, multiple submitters, no conflicts (2 of 4 stars). 2 submissions from 2 submitters: Uncertain significance (2). Last evaluated 2026-01-31.

Conditions:
Inborn genetic diseases. Identifiers: MedGen C0950123, MeSH D030342.

gnomAD v4.1: 64 of 1,613,954 alleles (0.004%); highest among the groups gnomAD compares: East Asian, 0.12%; no homozygotes.

Submissions (2):

GeneDx
Classification: Uncertain significance. Last evaluated: 2026-01-31. Review status: criteria provided, single submitter. Criteria: GeneDx Variant Classification Process June 2021. Collection method: clinical testing. Allele origin: germline.
Comment: In silico analysis suggests that this missense variant does not alter protein structure/function; Has not been previously published as pathogenic or benign to our knowledge

Ambry Genetics
Classification: Uncertain significance for Inborn genetic diseases. Last evaluated: 2025-04-15. Review status: criteria provided, single submitter. Criteria: Ambry Variant Classification Scheme 2023. Collection method: clinical testing. Allele origin: germline.

NM_177973.2(SULT2B1):c.350A>C (p.Tyr117Ser)

Gene: SULT2B1 (sulfotransferase family 2B member 1; plus strand). Cytogenetic location: 19q13.33.
Variant type: single nucleotide variant.
Coding change: c.350A>C on transcript NM_177973.2 (MANE Select); coding-DNA position 350, A replaced by C.
Protein change: p.Tyr117Ser; replaces tyrosine 117 with serine.
Molecular consequence: missense variant.
Genome position (GRCh38, 1-based): chr19:48,587,364, A>C. VCF-style: chr19-48587364-A-C. GRCh37 (hg19) VCF-style: chr19-49090621-A-C.
Other names: c.305A>C, p.Tyr102Ser (NM_004605.2); short protein forms Y117S, Y102S.
Identifiers: ClinVar variation 3963961 (VCV003963961.2).